The following is an entry in ClinVar:

ClinVar aggregate classification (germline): Likely benign. Review status: criteria provided, multiple submitters, no conflicts (2 of 4 stars). 4 submissions from 4 submitters: Likely benign (4). Last evaluated 2026-03-01.

Conditions:
CLIC5-related disorder. Also called: CLIC5-related condition.

Allele frequency attached by ClinVar (database versions not stated): gnomAD 0.00005; TOPMed 0.00005; ESP Exome Variant Server 0.00008; gnomAD exomes 0.00016; ExAC 0.00020.
gnomAD v4.1: 248 of 1,614,048 alleles (0.015%); highest among the groups gnomAD compares: South Asian, 0.03%; 3 homozygotes.

Submissions (4):

CeGaT Center for Human Genetics Tuebingen
Classification: Likely benign. Last evaluated: 2026-03-01. Review status: criteria provided, single submitter. Criteria: CeGaT Center For Human Genetics Tuebingen Variant Classification Criteria Version 2. Collection method: clinical testing. Allele origin: germline. Affected: yes. Observed: 3 variant alleles.
Comment: CLIC5: BP4, BP7

Labcorp Genetics (formerly Invitae), Labcorp
Classification: Likely benign. Last evaluated: 2025-07-03. Review status: criteria provided, single submitter. Criteria: Invitae Variant Classification Sherloc (09022015). Collection method: clinical testing. Allele origin: germline.

Blueprint Genetics
Classification: Likely benign. Last evaluated: 2024-11-08. Review status: criteria provided, single submitter. Criteria: ACMG Guidelines, 2015. Collection method: clinical testing. Allele origin: germline.

PreventionGenetics, part of Exact Sciences
Classification: Likely benign for CLIC5-related condition. Last evaluated: 2024-10-13. Review status: criteria provided, single submitter. Criteria: ACMG Guidelines, 2015. Collection method: clinical testing. Allele origin: germline.
Comment: This variant is classified as likely benign based on ACMG/AMP sequence variant interpretation guidelines (Richards et al. 2015 PMID: 25741868, with internal and published modifications).

NM_016929.5(CLIC5):c.723C>T (p.Tyr241=)

Gene: CLIC5 (CLIC family member 5; minus strand). Cytogenetic location: 6p21.1.
Variant type: single nucleotide variant.
Coding change: c.723C>T on transcript NM_016929.5 (MANE Select); coding-DNA position 723, C replaced by T.
Protein change: p.Tyr241=; no amino-acid change (tyrosine 241 retained).
Molecular consequence: synonymous variant. On other transcripts: non-coding transcript variant (2).
Genome position (GRCh38, 1-based): chr6:45,903,121, G>A on the plus strand (C>T on the coding strand, the complement: CLIC5 is on the minus strand). VCF-style: chr6-45903121-G-A. GRCh37 (hg19) VCF-style: chr6-45870858-G-A.
Other names: c.1200C>T, p.Tyr400= (NM_001114086.2, NM_001370650.1); c.606C>T, p.Tyr202= (NM_001370649.1); c.1200C>T (NM_001114086.1).
Identifiers: ClinVar variation 2152715 (VCV002152715.24), dbSNP rs150143344, ClinGen allele CA3836683.